The following is an entry in ClinVar:

NM_014915.3(ANKRD26):c.4147A>C (p.Ser1383Arg)

Gene: ANKRD26 (ankyrin repeat domain containing 26; minus strand). Cytogenetic location: 10p12.1.
Variant type: single nucleotide variant.
Coding change: c.4147A>C on transcript NM_014915.3 (MANE Select); coding-DNA position 4147, A replaced by C.
Protein change: p.Ser1383Arg; replaces serine 1383 with arginine.
Molecular consequence: missense variant.
Genome position (GRCh38, 1-based): chr10:27,022,626, T>G on the plus strand (A>C on the coding strand, the complement: ANKRD26 is on the minus strand). VCF-style: chr10-27022626-T-G. GRCh37 (hg19) VCF-style: chr10-27311555-T-G.
Other names: c.4144A>C, p.Ser1382Arg (NM_001256053.2); short protein forms S1383R, S1382R.
Identifiers: ClinVar variation 4102491 (VCV004102491.1).

ClinVar aggregate classification (germline): Uncertain significance (1 of 4 stars; one submission).

Conditions:
Inborn genetic diseases. Identifiers: MedGen C0950123, MeSH D030342.

Submission:

Ambry Genetics
Classification: Uncertain significance for Inborn genetic diseases. Last evaluated: 2025-09-13. Review status: criteria provided, single submitter. Criteria: Ambry Variant Classification Scheme 2023. Collection method: clinical testing. Allele origin: germline.
Comment: The p.S1383R variant (also known as c.4147A>C), located in coding exon 29 of the ANKRD26 gene, results from an A to C substitution at nucleotide position 4147. The serine at codon 1383 is replaced by arginine, an amino acid with dissimilar properties. This amino acid position is conserved. In addition, this alteration is predicted to be tolerated by in silico analysis. Based on the available evidence, the clinical significance of this variant remains unclear.